The following is an entry in ClinVar:

NM_022455.5(NSD1):c.2894C>G (p.Ser965Ter)

Gene: NSD1 (nuclear receptor binding SET domain protein 1; plus strand). Cytogenetic location: 5q35.3.
Variant type: single nucleotide variant.
Coding change: c.2894C>G on transcript NM_022455.5 (MANE Select); coding-DNA position 2894, C replaced by G.
Protein change: p.Ser965Ter; replaces serine 965 with a stop codon.
Molecular consequence: nonsense.
Genome position (GRCh38, 1-based): chr5:177,211,293, C>G. VCF-style: chr5-177211293-C-G. GRCh37 (hg19) VCF-style: chr5-176638294-C-G.
Other names: c.2021C>G, p.Ser674Ter (NM_001365684.2, NM_001409306.1, NM_001409307.1 and 3 more transcripts); c.2894C>G, p.Ser965Ter (NM_001409301.1, NM_001409302.1, NM_001409303.1); c.2474C>G, p.Ser825Ter (NM_001409304.1); c.2141C>G, p.Ser714Ter (NM_001409305.1); short protein forms S674*, S714*, S825*, S965*.
Identifiers: ClinVar variation 3764156 (VCV003764156.1).

ClinVar aggregate classification (germline): Pathogenic (1 of 4 stars; one submission).

Submission:

GeneDx
Classification: Pathogenic. Last evaluated: 2024-08-17. Review status: criteria provided, single submitter. Criteria: GeneDx Variant Classification Process June 2021. Collection method: clinical testing. Allele origin: germline. Affected: yes.
Comment: Nonsense variant predicted to result in protein truncation or nonsense mediated decay in a gene for which loss of function is a known mechanism of disease; Not observed at significant frequency in large population cohorts (gnomAD); This variant is associated with the following publications: (PMID: 32286744, 28475857, 9950366, 26613968)